The following is an entry in ClinVar:

NM_006431.3(CCT2):c.1172A>G (p.His391Arg)

Gene: CCT2 (chaperonin containing TCP1 subunit 2; plus strand). Cytogenetic location: 12q15.
Variant type: single nucleotide variant.
Coding change: c.1172A>G on transcript NM_006431.3 (MANE Select); coding-DNA position 1172, A replaced by G.
Protein change: p.His391Arg; replaces histidine 391 with arginine.
Molecular consequence: missense variant.
Genome position (GRCh38, 1-based): chr12:69,597,707, A>G. VCF-style: chr12-69597707-A-G. GRCh37 (hg19) VCF-style: chr12-69991487-A-G.
Other names: c.1031A>G, p.His344Arg (NM_001198842.2); short protein forms H391R, H344R.
Identifiers: ClinVar variation 1957017 (VCV001957017.5), dbSNP rs1221995928, ClinGen allele CA385730755.

ClinVar aggregate classification (germline): Uncertain significance (1 of 4 stars; one submission).

Allele frequency attached by ClinVar (database versions not stated): gnomAD exomes below 0.00001.
gnomAD v4.1: 1 of 1,612,082 alleles (0.000062%); highest among the groups gnomAD compares: Non-Finnish European, 0.000085%; no homozygotes.

Submission:

Labcorp Genetics (formerly Invitae), Labcorp
Classification: Uncertain significance. Last evaluated: 2022-02-21. Review status: criteria provided, single submitter. Criteria: Invitae Variant Classification Sherloc (09022015). Collection method: clinical testing. Allele origin: germline.
Comment: In summary, the available evidence is currently insufficient to determine the role of this variant in disease. Therefore, it has been classified as a Variant of Uncertain Significance. Algorithms developed to predict the effect of missense changes on protein structure and function (SIFT, PolyPhen-2, Align-GVGD) all suggest that this variant is likely to be disruptive. This variant has not been reported in the literature in individuals affected with CCT2-related conditions. This variant is present in population databases (no rsID available, gnomAD 0.0009%). This sequence change replaces histidine, which is basic and polar, with arginine, which is basic and polar, at codon 391 of the CCT2 protein (p.His391Arg).